The following is an entry in ClinVar:

ClinVar aggregate classification (germline): Uncertain significance (1 of 4 stars; one submission).

Conditions:
Long QT syndrome (LQTS). Identifiers: MedGen C0023976, MeSH D008133, MONDO:0002442. Disease mechanism: loss of function. Inheritance: Various modes of inheritance.

Submission:

Labcorp Genetics (formerly Invitae), Labcorp
Classification: Uncertain significance for Long QT syndrome. Last evaluated: 2023-01-01. Review status: criteria provided, single submitter. Criteria: Invitae Variant Classification Sherloc (09022015). Collection method: clinical testing. Allele origin: germline.
Comment: This sequence change falls in intron 8 of the KCNH2 gene. It does not directly change the encoded amino acid sequence of the KCNH2 protein. It affects a nucleotide within the consensus splice site. This variant is not present in population databases (gnomAD no frequency). This variant has not been reported in the literature in individuals affected with KCNH2-related conditions. Variants that disrupt the consensus splice site are a relatively common cause of aberrant splicing (PMID: 17576681, 9536098). Algorithms developed to predict the effect of sequence changes on RNA splicing suggest that this variant is not likely to affect RNA splicing. In summary, the available evidence is currently insufficient to determine the role of this variant in disease. Therefore, it has been classified as a Variant of Uncertain Significance.

Literature cited by the submitters: PubMed 17576681; PubMed 9536098.

NM_000238.4(KCNH2):c.2145+6G>T

Gene: KCNH2 (potassium voltage-gated channel subfamily H member 2; minus strand). Cytogenetic location: 7q36.1.
Variant type: single nucleotide variant.
Coding change: c.2145+6G>T on transcript NM_000238.4 (MANE Select); 6 bases into the intron after coding-DNA position 2145, G replaced by T.
Molecular consequence: intron variant.
Genome position (GRCh38, 1-based): chr7:150,950,915, C>A on the plus strand (G>T on the coding strand, the complement: KCNH2 is on the minus strand). VCF-style: chr7-150950915-C-A. GRCh37 (hg19) VCF-style: chr7-150648003-C-A.
Other names: c.1857+6G>T (NM_001406753.1, NM_001406756.1); c.1125+6G>T (NM_172057.3, NM_001204798.2); c.2145+6G>T (NM_172056.3); c.1968+6G>T (NM_001406755.1); c.1845+6G>T (NM_001406757.1).
Identifiers: ClinVar variation 2825729 (VCV002825729.3), dbSNP rs2486030079, ClinGen allele CA2739278694.